The following is an entry in ClinVar:

NM_001256789.3(CACNA1F):c.1447A>G (p.Ser483Gly)

Gene: CACNA1F (calcium voltage-gated channel subunit alpha1 F; minus strand). Cytogenetic location: Xp11.23.
Variant type: single nucleotide variant.
Coding change: c.1447A>G on transcript NM_001256789.3 (MANE Select); coding-DNA position 1447, A replaced by G.
Protein change: p.Ser483Gly; replaces serine 483 with glycine.
Molecular consequence: missense variant.
Genome position (GRCh38, 1-based): chrX:49,226,425, T>C on the plus strand (A>G on the coding strand, the complement: CACNA1F is on the minus strand). VCF-style: chrX-49226425-T-C. GRCh37 (hg19) VCF-style: chrX-49082887-T-C.
Other names: c.1285A>G, p.Ser429Gly (NM_001256790.3); c.1480A>G, p.Ser494Gly (NM_005183.4); short protein forms S494G, S429G, S483G.
Identifiers: ClinVar variation 2130176 (VCV002130176.4), dbSNP rs2519125551, ClinGen allele CA412917111.

ClinVar aggregate classification (germline): Uncertain significance (1 of 4 stars; one submission).

Submission:

Labcorp Genetics (formerly Invitae), Labcorp
Classification: Uncertain significance. Last evaluated: 2023-11-27. Review status: criteria provided, single submitter. Criteria: Invitae Variant Classification Sherloc (09022015). Collection method: clinical testing. Allele origin: germline.
Comment: This sequence change replaces serine, which is neutral and polar, with glycine, which is neutral and non-polar, at codon 494 of the CACNA1F protein (p.Ser494Gly). This variant is not present in population databases (gnomAD no frequency). This variant has not been reported in the literature in individuals affected with CACNA1F-related conditions. ClinVar contains an entry for this variant (Variation ID: 2130176). Algorithms developed to predict the effect of missense changes on protein structure and function output the following: SIFT: "Not Available"; PolyPhen-2: "Benign"; Align-GVGD: "Not Available". The glycine amino acid residue is found in multiple mammalian species, which suggests that this missense change does not adversely affect protein function. In summary, the available evidence is currently insufficient to determine the role of this variant in disease. Therefore, it has been classified as a Variant of Uncertain Significance.